The following is an entry in ClinVar:

ClinVar aggregate classification (germline): Uncertain significance. Review status: criteria provided, multiple submitters, no conflicts (2 of 4 stars). 2 submissions from 2 submitters: Uncertain significance (2). Last evaluated 2024-11-27.

Conditions:
MRPS2-related disorder. Also called: MRPS2-related condition.

Allele frequency attached by ClinVar (database versions not stated): ExAC 0.00002.
gnomAD v4.1: 106 of 1,609,722 alleles (0.0066%); highest among the groups gnomAD compares: Non-Finnish European, 0.0086%; no homozygotes.

Submissions (2):

PreventionGenetics, part of Exact Sciences
Classification: Uncertain significance for MRPS2-related condition. Last evaluated: 2024-11-27. Review status: criteria provided, single submitter. Criteria: ACMG Guidelines, 2015. Collection method: clinical testing. Allele origin: germline.
Comment: The MRPS2 c.104G>T variant is predicted to result in the amino acid substitution p.Arg35Leu. To our knowledge, this variant has not been reported in the literature. This variant is reported in 0.0058% of alleles in individuals of European (Non-Finnish) descent in gnomAD. At this time, the clinical significance of this variant is uncertain due to the absence of conclusive functional and genetic evidence.

Ambry Genetics
Classification: Uncertain significance. Last evaluated: 2023-02-13. Review status: criteria provided, single submitter. Criteria: Ambry Variant Classification Scheme 2023. Collection method: clinical testing. Allele origin: germline.

NM_016034.5(MRPS2):c.104G>T (p.Arg35Leu)

Gene: MRPS2 (mitochondrial ribosomal protein S2; plus strand). Cytogenetic location: 9q34.3.
Variant type: single nucleotide variant.
Coding change: c.104G>T on transcript NM_016034.5 (MANE Select); coding-DNA position 104, G replaced by T.
Protein change: p.Arg35Leu; replaces arginine 35 with leucine.
Molecular consequence: missense variant. On other transcripts: non-coding transcript variant (4).
Genome position (GRCh38, 1-based): chr9:135,501,058, G>T. VCF-style: chr9-135501058-G-T. GRCh37 (hg19) VCF-style: chr9-138392904-G-T.
Other names: c.104G>T (NM_016034.4); c.104G>T, p.Arg35Leu (NM_001371401.1); short protein forms R35L.
Identifiers: ClinVar variation 2457355 (VCV002457355.3), dbSNP rs769414094, ClinGen allele CA5323808.